The following is an entry in ClinVar:

NM_130839.5(UBE3A):c.2340C>G (p.Asp780Glu)

Genes: SNHG14 (small nucleolar RNA host gene 14; plus strand), UBE3A (ubiquitin protein ligase E3A; minus strand). Cytogenetic location: 15q11.2.
Variant type: single nucleotide variant.
Coding change: c.2340C>G on transcript NM_130839.5 (MANE Select); coding-DNA position 2340, C replaced by G.
Protein change: p.Asp780Glu; replaces aspartic acid 780 with glutamic acid.
Molecular consequence: missense variant. On other transcripts: non-coding transcript variant (1).
Genome position (GRCh38, 1-based): chr15:25,354,367, G>C on the plus strand (C>G on the coding strand, the complement: UBE3A is on the minus strand). VCF-style: chr15-25354367-G-C. GRCh37 (hg19) VCF-style: chr15-25599514-G-C.
Other names: c.2349C>G, p.Asp783Glu (NM_000462.5); c.2340C>G, p.Asp780Glu (NM_001354505.1, NM_001354538.2); c.2280C>G, p.Asp760Glu (NM_001354506.2, NM_001354507.2, NM_001354508.2 and 14 more transcripts); c.2184C>G, p.Asp728Glu (NM_001354545.2); c.2163C>G, p.Asp721Glu (NM_001354546.2); c.2124C>G, p.Asp708Glu (NM_001354547.2, NM_001354548.2); c.2115C>G, p.Asp705Glu (NM_001354549.2); c.1089C>G, p.Asp363Glu (NM_001354550.2); and 1 more; short protein forms D343E, D363E, D705E, D708E, D721E, D728E, D760E, D780E.
Identifiers: ClinVar variation 2580686 (VCV002580686.2), dbSNP rs2076941135, ClinGen allele CA391351452.

ClinVar aggregate classification (germline): Uncertain significance (1 of 4 stars; one submission).

Allele frequency attached by ClinVar (database versions not stated): gnomAD exomes below 0.00001; gnomAD 0.00001.
gnomAD v4.1: 4 of 1,613,316 alleles (0.00025%); highest among the groups gnomAD compares: South Asian, 0.0033%; no homozygotes.

Submission:

GeneDx
Classification: Uncertain significance. Last evaluated: 2025-11-20. Review status: criteria provided, single submitter. Criteria: GeneDx Variant Classification Process June 2021. Collection method: clinical testing. Allele origin: germline.
Comment: Not observed at significant frequency in large population cohorts (gnomAD); In silico analysis suggests that this missense variant does not alter protein structure/function; Has not been previously published as pathogenic or benign to our knowledge